The following is an entry in ClinVar:

NM_001927.4(DES):c.52T>A (p.Phe18Ile)

Gene: DES (desmin; plus strand). Cytogenetic location: 2q35.
Variant type: single nucleotide variant.
Coding change: c.52T>A on transcript NM_001927.4 (MANE Select); coding-DNA position 52, T replaced by A.
Protein change: p.Phe18Ile; replaces phenylalanine 18 with isoleucine.
Molecular consequence: missense variant.
Genome position (GRCh38, 1-based): chr2:219,418,514, T>A. VCF-style: chr2-219418514-T-A. GRCh37 (hg19) VCF-style: chr2-220283236-T-A.
Other names: c.52T>A, p.Phe18Ile (NM_001382708.1, NM_001382709.1, NM_001382710.1 and 3 more transcripts); short protein forms F18I.
Identifiers: ClinVar variation 3748366 (VCV003748366.2).

ClinVar aggregate classification (germline): Uncertain significance (1 of 4 stars; one submission).

Conditions:
Desmin-related myofibrillar myopathy (MFM1). Also called: Desminopathy; MYOFIBRILLAR MYOPATHY WITH ARRHYTHMOGENIC RIGHT VENTRICULAR CARDIOMYOPATHY; Myofibrillar myopathy 1; Desmin related myopathy (former name); Desmin storage myopathy (former name); DESMIN-RELATED MYOPATHY WITH ARRHYTHMOGENIC RIGHT VENTRICULAR CARDIOMYOPATHY. Identifiers: Orphanet 363543, Orphanet 98909, MedGen C1832370, MONDO:0011076, OMIM 601419.

gnomAD v4.1: 2 of 1,603,560 alleles (0.00012%); highest among the groups gnomAD compares: Non-Finnish European, 0.00017%; no homozygotes.

Submission:

Labcorp Genetics (formerly Invitae), Labcorp
Classification: Uncertain significance for Desmin-related myofibrillar myopathy. Last evaluated: 2024-12-23. Review status: criteria provided, single submitter. Criteria: Invitae Variant Classification Sherloc (09022015). Collection method: clinical testing. Allele origin: germline.
Comment: This sequence change replaces phenylalanine, which is neutral and non-polar, with isoleucine, which is neutral and non-polar, at codon 18 of the DES protein (p.Phe18Ile). This variant is not present in population databases (gnomAD no frequency). This variant has not been reported in the literature in individuals affected with DES-related conditions. Invitae Evidence Modeling of protein sequence and biophysical properties (such as structural, functional, and spatial information, amino acid conservation, physicochemical variation, residue mobility, and thermodynamic stability) has been performed for this missense variant. However, the output from this modeling did not meet the statistical confidence thresholds required to predict the impact of this variant on DES protein function. In summary, the available evidence is currently insufficient to determine the role of this variant in disease. Therefore, it has been classified as a Variant of Uncertain Significance.